The following is an entry in ClinVar:

NM_000035.4(ALDOB):c.607C>T (p.Gln203Ter)

Gene: ALDOB (aldolase, fructose-bisphosphate B; minus strand). Cytogenetic location: 9q31.1.
Variant type: single nucleotide variant.
Coding change: c.607C>T on transcript NM_000035.4 (MANE Select); coding-DNA position 607, C replaced by T.
Protein change: p.Gln203Ter; replaces glutamine 203 with a stop codon.
Molecular consequence: nonsense.
Genome position (GRCh38, 1-based): chr9:101,426,572, G>A on the plus strand (C>T on the coding strand, the complement: ALDOB is on the minus strand). VCF-style: chr9-101426572-G-A. GRCh37 (hg19) VCF-style: chr9-104188854-G-A.
Other names: short protein forms Q203*.
Identifiers: ClinVar variation 1069392 (VCV001069392.8), dbSNP rs868392830, ClinGen allele CA196957068.
Genomic context (GRCh38, chr9:101,426,572, plus strand): 5'-AGATTTTTCAACTAGAATTGGGGCCTTCATATTTAAAACTTACCTTCTCAGTAACATACT[G>A]GCAGTGTTCCAGGTCATGGTCTCCATCAGGAATTACCTCTGGTTCAACAATAGGTACCAG-3'

ClinVar aggregate classification (germline): Pathogenic. Review status: criteria provided, multiple submitters, no conflicts (2 of 4 stars). 2 submissions from 2 submitters: Pathogenic (2). Last evaluated 2024-02-26.

Conditions:
Hereditary fructosuria. Also called: ALDOB DEFICIENCY; ALDOLASE B DEFICIENCY; FRUCTOSE-1,6-BISPHOSPHATE ALDOLASE B DEFICIENCY; FRUCTOSE-1-PHOSPHATE ALDOLASE DEFICIENCY; FRUCTOSEMIA; Fructose intolerance. Identifiers: Orphanet 469, MedGen C0016751, MONDO:0009249, OMIM 229600, HP:0005973. Disease mechanism: loss of function.

Allele frequency attached by ClinVar (database versions not stated): gnomAD exomes below 0.00001; TOPMed 0.00001.
gnomAD v4.1: 2 of 1,610,742 alleles (0.00012%); highest among the groups gnomAD compares: African/African-American, 0.0013%; no homozygotes.

Submissions (2):

Baylor Genetics
Classification: Pathogenic for Hereditary fructosuria. Last evaluated: 2024-02-26. Review status: criteria provided, single submitter. Criteria: ACMG Guidelines, 2015. Collection method: clinical testing. Allele origin: unknown.

Labcorp Genetics (formerly Invitae), Labcorp
Classification: Pathogenic for Hereditary fructosuria. Last evaluated: 2023-03-12. Review status: criteria provided, single submitter. Criteria: Invitae Variant Classification Sherloc (09022015). Collection method: clinical testing. Allele origin: germline.
Comment: For these reasons, this variant has been classified as Pathogenic. ClinVar contains an entry for this variant (Variation ID: 1069392). This variant has not been reported in the literature in individuals affected with ALDOB-related conditions. This variant is not present in population databases (gnomAD no frequency). This sequence change creates a premature translational stop signal (p.Gln203*) in the ALDOB gene. It is expected to result in an absent or disrupted protein product. Loss-of-function variants in ALDOB are known to be pathogenic (PMID: 18541450).

Literature cited by the submitters: PubMed 18541450 (cited by Labcorp Genetics (formerly Invitae), Labcorp).